The following is an entry in ClinVar:

ClinVar aggregate classification (germline): Uncertain significance. Review status: criteria provided, multiple submitters, no conflicts (2 of 4 stars). 2 submissions from 2 submitters: Uncertain significance (2). Last evaluated 2025-02-17.

Conditions:
Left ventricular noncompaction 1 (LVNC1). Also called: LEFT VENTRICULAR NONCOMPACTION 1 WITH OR WITHOUT CONGENITAL HEART DEFECTS. Identifiers: Orphanet 54260, MedGen C1858725, MONDO:0011403, OMIM 604169.

Allele frequency attached by ClinVar (database versions not stated): ExAC 0.00003; gnomAD 0.00001; TOPMed 0.00001; gnomAD exomes 0.00002.

Submissions (2):

Labcorp Genetics (formerly Invitae), Labcorp
Classification: Uncertain significance for Left ventricular noncompaction 1. Last evaluated: 2025-02-17. Review status: criteria provided, single submitter. Criteria: Invitae Variant Classification Sherloc (09022015). Collection method: clinical testing. Allele origin: germline.
Comment: This sequence change replaces arginine, which is basic and polar, with cysteine, which is neutral and slightly polar, at codon 29 of the DTNA protein (p.Arg29Cys). This variant is present in population databases (rs781374642, gnomAD 0.007%). This variant has not been reported in the literature in individuals affected with DTNA-related conditions. ClinVar contains an entry for this variant (Variation ID: 2234416). Invitae Evidence Modeling of protein sequence and biophysical properties (such as structural, functional, and spatial information, amino acid conservation, physicochemical variation, residue mobility, and thermodynamic stability) indicates that this missense variant is not expected to disrupt DTNA protein function with a negative predictive value of 80%. In summary, the available evidence is currently insufficient to determine the role of this variant in disease. Therefore, it has been classified as a Variant of Uncertain Significance.

Ambry Genetics
Classification: Uncertain significance. Last evaluated: 2021-07-09. Review status: criteria provided, single submitter. Criteria: Ambry Variant Classification Scheme 2023. Collection method: clinical testing. Allele origin: germline.

NM_001386795.1(DTNA):c.85C>T (p.Arg29Cys)

Genes: DTNA (dystrobrevin alpha; plus strand), DTNA-AS1 (DTNA antisense RNA 1; minus strand). Cytogenetic location: 18q12.1.
Variant type: single nucleotide variant.
Coding change: c.85C>T on transcript NM_001386795.1 (MANE Select); coding-DNA position 85, C replaced by T.
Protein change: p.Arg29Cys; replaces arginine 29 with cysteine.
Molecular consequence: missense variant.
Genome position (GRCh38, 1-based): chr18:34,765,978, C>T. VCF-style: chr18-34765978-C-T. GRCh37 (hg19) VCF-style: chr18-32345942-C-T.
Other names: c.85C>T, p.Arg29Cys (NM_001128175.2, NM_001198938.2, NM_001198939.2 and 35 more transcripts); short protein forms R29C.
Identifiers: ClinVar variation 2234416 (VCV002234416.5), dbSNP rs781374642, ClinGen allele CA8935277.